The following is an entry in ClinVar:

ClinVar aggregate classification (germline): Pathogenic (1 of 4 stars; one submission).

Conditions:
MEGF8-related Carpenter syndrome. Also called: Carpenter syndrome 2. Identifiers: Orphanet 65759, MedGen C3554247, MONDO:0013998, OMIM 614976.

Submission:

Labcorp Genetics (formerly Invitae), Labcorp
Classification: Pathogenic for MEGF8-related Carpenter syndrome. Last evaluated: 2025-07-22. Review status: criteria provided, single submitter. Criteria: Invitae Variant Classification Sherloc (09022015). Collection method: clinical testing. Allele origin: germline.
Comment: This sequence change creates a premature translational stop signal (p.Gln696*) in the MEGF8 gene. It is expected to result in an absent or disrupted protein product. Loss-of-function variants in MEGF8 are known to be pathogenic (PMID: 23063620). This variant is not present in population databases (gnomAD no frequency). This variant has not been reported in the literature in individuals affected with MEGF8-related conditions. For these reasons, this variant has been classified as Pathogenic.

Literature cited by the submitters: PubMed 23063620.

NM_001271938.2(MEGF8):c.2086C>T (p.Gln696Ter)

Gene: MEGF8 (multiple EGF like domains 8; plus strand). Cytogenetic location: 19q13.2.
Variant type: single nucleotide variant.
Coding change: c.2086C>T on transcript NM_001271938.2 (MANE Select); coding-DNA position 2086, C replaced by T.
Protein change: p.Gln696Ter; replaces glutamine 696 with a stop codon.
Molecular consequence: nonsense.
Genome position (GRCh38, 1-based): chr19:42,344,822, C>T. VCF-style: chr19-42344822-C-T. GRCh37 (hg19) VCF-style: chr19-42848974-C-T.
Other names: c.2086C>T, p.Gln696Ter (NM_001410.3); short protein forms Q696*.
Identifiers: ClinVar variation 4723779 (VCV004723779.1).
Genomic context (GRCh38, chr19:42,344,822, plus strand): 5'-ACCCAGAGCTTCCTGCCTGGCCTGCACTTGCTCACCTTTCAGCAGCCGCCCAATACCTCC[C>T]AGCCTGACAAGGTGGGTAGGAGGCGTGGCCCTGGGTGGGGTGTTGATGATCCTGATCCTA-3'